The following is an entry in ClinVar:

NM_001374736.1(DST):c.11542-9T>A

Gene: DST (dystonin; minus strand). Cytogenetic location: 6p12.1.
Variant type: single nucleotide variant.
Coding change: c.11542-9T>A on transcript NM_001374736.1 (MANE Select); 9 bases into the intron before coding-DNA position 11542, T replaced by A.
Molecular consequence: intron variant.
Genome position (GRCh38, 1-based): chr6:56,600,230, A>T on the plus strand (T>A on the coding strand, the complement: DST is on the minus strand). VCF-style: chr6-56600230-A-T. GRCh37 (hg19) VCF-style: chr6-56465028-A-T.
Other names: c.5185-9T>A (NM_001144769.5); c.11542-9T>A (NM_001374722.1); c.11569-9T>A (NM_001374734.1); c.4771-9T>A (NM_001144770.2); c.4651-9T>A (NM_001374730.1, NM_001386100.1, NM_183380.4); c.10909-9T>A (NM_001374729.1); c.3673-9T>A (NM_015548.5).
Identifiers: ClinVar variation 1423615 (VCV001423615.5), dbSNP rs374134391, ClinGen allele CA3868634.

ClinVar aggregate classification (germline): Uncertain significance (1 of 4 stars; one submission).

Conditions:
Epidermolysis bullosa simplex 3, localized or generalized intermediate, with BP230 deficiency (EBS3). Also called: Epidermolysis bullosa simplex due to BP230 deficiency; Epidermolysis bullosa simplex, autosomal recessive 2. Identifiers: Orphanet 412181, MedGen C3809470, MONDO:0014180, OMIM 615425.
Hereditary sensory and autonomic neuropathy type 6. Also called: Neuropathy, hereditary sensory and autonomic, type VI; HSAN VI. Identifiers: Orphanet 314381, MedGen C3539003, MONDO:0013839, OMIM 614653.

Allele frequency attached by ClinVar (database versions not stated): gnomAD exomes 0.00001 and 0.00003; ExAC 0.00005; ESP Exome Variant Server 0.00008; gnomAD 0.00009 and 0.00011; TOPMed 0.00019.
gnomAD v4.1: 31 of 1,608,782 alleles (0.0019%); highest among the groups gnomAD compares: African/African-American, 0.031%; no homozygotes.

Submission:

Labcorp Genetics (formerly Invitae), Labcorp
Classification: Uncertain significance for Epidermolysis bullosa simplex 3, localized or generalized intermediate, with BP230 deficiency; Hereditary sensory and autonomic neuropathy type 6. Last evaluated: 2022-07-19. Review status: criteria provided, single submitter. Criteria: Invitae Variant Classification Sherloc (09022015). Collection method: clinical testing. Allele origin: germline.
Comment: The DST gene has multiple clinically relevant transcripts. This variant occurs in alternate transcript NM_015548.4, and corresponds to NM_001723.5:c.*15287T>A in the primary transcript. This sequence change falls in intron 25 of the DST gene. It does not directly change the encoded amino acid sequence of the DST protein. This variant is present in population databases (rs374134391, gnomAD 0.05%). This variant has not been reported in the literature in individuals affected with DST-related conditions. Algorithms developed to predict the effect of sequence changes on RNA splicing suggest that this variant may disrupt the consensus splice site. In summary, the available evidence is currently insufficient to determine the role of this variant in disease. Therefore, it has been classified as a Variant of Uncertain Significance.